The following is an entry in ClinVar:

NM_001082486.2(ACD):c.22G>A (p.Val8Ile)

Gene: ACD (ACD shelterin complex subunit and telomerase recruitment factor; minus strand). Cytogenetic location: 16q22.1.
Variant type: single nucleotide variant.
Coding change: c.22G>A on transcript NM_001082486.2 (MANE Select); coding-DNA position 22, G replaced by A.
Protein change: p.Val8Ile; replaces valine 8 with isoleucine.
Molecular consequence: missense variant.
Genome position (GRCh38, 1-based): chr16:67,660,199, C>T on the plus strand (G>A on the coding strand, the complement: ACD is on the minus strand). VCF-style: chr16-67660199-C-T. GRCh37 (hg19) VCF-style: chr16-67694102-C-T.
Other names: c.22G>A, p.Val8Ile (LRG_1237t1, NM_022914.3); short protein forms V8I.
Identifiers: ClinVar variation 434071 (VCV000434071.57), dbSNP rs149365469, ClinGen allele CA8114847.

ClinVar aggregate classification (germline): Conflicting classifications of pathogenicity. Review status: criteria provided, conflicting classifications (1 of 4 stars). 10 submissions from 10 submitters: Uncertain significance (3); Likely benign (4). 3 of the submissions do not count toward it. Last evaluated 2026-03-01.

Conditions:
Inborn genetic diseases. Identifiers: MedGen C0950123, MeSH D030342.
ACD-related disorder. Also called: ACD-related condition.
Dyskeratosis congenita, autosomal dominant 6 (DKCA6). Identifiers: Orphanet 3322, MedGen C4225284, MONDO:0014690, OMIM 616553.

Allele frequency attached by ClinVar (database versions not stated): ExAC 0.00081; 1000 Genomes Project 0.00100; 1000 Genomes Project 30x 0.00109; gnomAD 0.00053 and 0.00060; gnomAD exomes 0.00054 and 0.00075; TOPMed 0.00068; ESP Exome Variant Server 0.00069.
gnomAD v4.1: 931 of 1,612,648 alleles (0.058%); highest among the groups gnomAD compares: Middle Eastern, 2.9%; 6 homozygotes.

Submissions (10):

CeGaT Center for Human Genetics Tuebingen
Classification: Likely benign. Last evaluated: 2026-03-01. Review status: criteria provided, single submitter. Criteria: CeGaT Center For Human Genetics Tuebingen Variant Classification Criteria Version 2. Collection method: clinical testing. Allele origin: germline. Affected: yes. Observed: 8 variant alleles.
Comment: ACD: BP4

Labcorp Genetics (formerly Invitae), Labcorp
Classification: Uncertain significance for Dyskeratosis congenita, autosomal dominant 6. Last evaluated: 2026-02-02. Review status: criteria provided, single submitter. Criteria: Invitae Variant Classification Sherloc (09022015). Collection method: clinical testing. Allele origin: germline.
Comment: This sequence change replaces valine, which is neutral and non-polar, with isoleucine, which is neutral and non-polar, at codon 94 of the ACD protein (p.Val94Ile). This variant is present in population databases (rs149365469, gnomAD 0.2%), and has an allele count higher than expected for a pathogenic variant. This missense change has been observed in individual(s) with dyskeratosis congenita–like phenotype (PMID: 30064976). ClinVar contains an entry for this variant (Variation ID: 434071). Invitae Evidence Modeling of protein sequence and biophysical properties (such as structural, functional, and spatial information, amino acid conservation, physicochemical variation, residue mobility, and thermodynamic stability) indicates that this missense variant is not expected to disrupt ACD protein function with a negative predictive value of 80%. Experimental studies have shown that this missense change affects ACD function (PMID: 30064976). In summary, the available evidence is currently insufficient to determine the role of this variant in disease. Therefore, it has been classified as a Variant of Uncertain Significance.

Center for Genomic Medicine, Rigshospitalet, Copenhagen University Hospital
Classification: Uncertain significance. Last evaluated: 2025-03-04. Review status: criteria provided, single submitter. Criteria: ACMG Guidelines, 2015. Collection method: clinical testing. Allele origin: germline.
Comment: Classification criteria: BP4_strong

Blueprint Genetics
Classification: Likely benign. Last evaluated: 2024-11-27. Review status: criteria provided, single submitter. Criteria: ACMG Guidelines, 2015. Collection method: clinical testing. Allele origin: germline.

Ambry Genetics
Classification: Uncertain significance for Inborn genetic diseases. Last evaluated: 2023-03-24. Review status: criteria provided, single submitter. Criteria: Ambry Variant Classification Scheme 2023. Collection method: clinical testing. Allele origin: germline.

GeneDx
Classification: Likely benign. Last evaluated: 2021-04-07. Review status: criteria provided, single submitter. Criteria: GeneDx Variant Classification Process June 2021. Collection method: clinical testing. Allele origin: germline. Affected: yes.
Comment: See Variant Classification Assertion Criteria.

Genetic Services Laboratory, University of Chicago
Classification: Likely benign. Last evaluated: 2020-01-09. Review status: criteria provided, single submitter. Criteria: ACMG Guidelines, 2015. Collection method: clinical testing. Allele origin: germline. Affected: no.

PreventionGenetics, part of Exact Sciences
Classification: Likely benign for ACD-related condition. Last evaluated: 2021-05-26. Review status: no assertion criteria provided. Collection method: clinical testing. Allele origin: germline. Not counted in ClinVar's aggregate classification.
Comment: This variant is classified as likely benign based on ACMG/AMP sequence variant interpretation guidelines (Richards et al. 2015 PMID: 25741868, with internal and published modifications).

Clinical Genetics DNA and cytogenetics Diagnostics Lab, Erasmus MC, Erasmus Medical Center
Classification: Likely benign. Review status: no assertion criteria provided. Collection method: clinical testing. Allele origin: germline. Affected: yes. Study: VKGL Data-share Consensus. Not counted in ClinVar's aggregate classification.

Genome Diagnostics Laboratory, University Medical Center Utrecht
Classification: Likely benign. Review status: no assertion criteria provided. Collection method: clinical testing. Allele origin: germline. Affected: yes. Study: VKGL Data-share Consensus. Not counted in ClinVar's aggregate classification.

Literature cited by the submitters: PubMed 30064976 (cited by 3 submitters).